The following is an entry in ClinVar:

NM_005097.4(LGI1):c.308T>C (p.Phe103Ser)

Gene: LGI1 (leucine rich glioma inactivated 1; plus strand). Cytogenetic location: 10q23.33.
Variant type: single nucleotide variant.
Coding change: c.308T>C on transcript NM_005097.4 (MANE Select); coding-DNA position 308, T replaced by C.
Protein change: p.Phe103Ser; replaces phenylalanine 103 with serine.
Molecular consequence: missense variant. On other transcripts: intron variant (1).
Genome position (GRCh38, 1-based): chr10:93,777,399, T>C. VCF-style: chr10-93777399-T-C. GRCh37 (hg19) VCF-style: chr10-95537156-T-C.
Other names: c.308T>C, p.Phe103Ser (NM_001308275.2); c.288-12700T>C (NM_001308276.2); short protein forms F103S.
Identifiers: ClinVar variation 953364 (VCV000953364.11), dbSNP rs2059804388, ClinGen allele CA377620655.

ClinVar aggregate classification (germline): Uncertain significance (1 of 4 stars; one submission).

Conditions:
Autosomal dominant epilepsy with auditory features. Identifiers: Orphanet 101046, MedGen C1838062, MONDO:0010898.

Submission:

Labcorp Genetics (formerly Invitae), Labcorp
Classification: Uncertain significance for Autosomal dominant epilepsy with auditory features. Last evaluated: 2021-01-14. Review status: criteria provided, single submitter. Criteria: Invitae Variant Classification Sherloc (09022015). Collection method: clinical testing. Allele origin: germline.
Comment: In summary, the available evidence is currently insufficient to determine the role of this variant in disease. Therefore, it has been classified as a Variant of Uncertain Significance. Algorithms developed to predict the effect of missense changes on protein structure and function (SIFT, PolyPhen-2, Align-GVGD) all suggest that this variant is likely to be disruptive, but these predictions have not been confirmed by published functional studies and their clinical significance is uncertain. This variant has not been reported in the literature in individuals with LGI1-related conditions. This variant is not present in population databases (ExAC no frequency). This sequence change replaces phenylalanine with serine at codon 103 of the LGI1 protein (p.Phe103Ser). The phenylalanine residue is highly conserved and there is a large physicochemical difference between phenylalanine and serine.